The following is an entry in ClinVar:

NM_001734.5(C1S):c.829A>G (p.Thr277Ala)

Gene: C1S (complement C1s; plus strand). Cytogenetic location: 12p13.31.
Variant type: single nucleotide variant.
Coding change: c.829A>G on transcript NM_001734.5 (MANE Select); coding-DNA position 829, A replaced by G.
Protein change: p.Thr277Ala; replaces threonine 277 with alanine.
Molecular consequence: missense variant.
Genome position (GRCh38, 1-based): chr12:7,065,928, A>G. VCF-style: chr12-7065928-A-G. GRCh37 (hg19) VCF-style: chr12-7173232-A-G.
Other names: c.328A>G, p.Thr110Ala (NM_001346850.2); c.829A>G, p.Thr277Ala (NM_201442.4); short protein forms T277A, T110A.
Identifiers: ClinVar variation 2081008 (VCV002081008.4), dbSNP rs1947169884, ClinGen allele CA383697671.

ClinVar aggregate classification (germline): Uncertain significance (1 of 4 stars; one submission).

Allele frequency attached by ClinVar (database versions not stated): TOPMed below 0.00001; gnomAD exomes 0.00001; gnomAD 0.00001.
gnomAD v4.1: 4 of 1,613,934 alleles (0.00025%); highest among the groups gnomAD compares: Non-Finnish European, 0.00034%; no homozygotes.

Submission:

Labcorp Genetics (formerly Invitae), Labcorp
Classification: Uncertain significance. Last evaluated: 2025-11-10. Review status: criteria provided, single submitter. Criteria: Invitae Variant Classification Sherloc (09022015). Collection method: clinical testing. Allele origin: germline.
Comment: This sequence change replaces threonine, which is neutral and polar, with alanine, which is neutral and non-polar, at codon 277 of the C1S protein (p.Thr277Ala). This variant is not present in population databases (gnomAD no frequency). This variant has not been reported in the literature in individuals affected with C1S-related conditions. ClinVar contains an entry for this variant (Variation ID: 2081008). Invitae Evidence Modeling of protein sequence and biophysical properties (such as structural, functional, and spatial information, amino acid conservation, physicochemical variation, residue mobility, and thermodynamic stability) indicates that this missense variant is not expected to disrupt C1S protein function with a negative predictive value of 80%. In summary, the available evidence is currently insufficient to determine the role of this variant in disease. Therefore, it has been classified as a Variant of Uncertain Significance.